The following is an entry in ClinVar:

NM_002691.4(POLD1):c.3253G>T (p.Val1085Leu)

Gene: POLD1 (DNA polymerase delta 1, catalytic subunit; plus strand). Cytogenetic location: 19q13.33.
Variant type: single nucleotide variant.
Coding change: c.3253G>T on transcript NM_002691.4 (MANE Select); coding-DNA position 3253, G replaced by T.
Protein change: p.Val1085Leu; replaces valine 1085 with leucine.
Molecular consequence: missense variant. On other transcripts: non-coding transcript variant (1).
Genome position (GRCh38, 1-based): chr19:50,417,876, G>T. VCF-style: chr19-50417876-G-T. GRCh37 (hg19) VCF-style: chr19-50921133-G-T.
Other names: c.3253G>T, p.Val1085Leu (NM_001256849.1); c.3331G>T, p.Val1111Leu (NM_001308632.1); short protein forms V1085L, V1111L.
Identifiers: ClinVar variation 941659 (VCV000941659.12), dbSNP rs2039393865, ClinGen allele CA406987774.

ClinVar aggregate classification (germline): Uncertain significance. Review status: criteria provided, multiple submitters, no conflicts (2 of 4 stars). 2 submissions from 2 submitters: Uncertain significance (2). Last evaluated 2022-05-30.

Conditions:
Hereditary cancer-predisposing syndrome. Also called: Hereditary neoplastic syndrome; Tumor predisposition; Neoplastic Syndromes, Hereditary; Hereditary Cancer Syndrome. Identifiers: Orphanet 140162, MedGen C0027672, MeSH D009386, MONDO:0015356.
POLD1-related polyposis and colorectal cancer syndrome (CRCS10). Also called: Colorectal cancer 10; COLORECTAL CANCER, SUSCEPTIBILITY TO, ON CHROMOSOME 19q; Colorectal cancer, susceptibility to, 10. Identifiers: Orphanet 220460, MedGen C2675481, MONDO:0012953, OMIM 612591.

gnomAD v4.1: 6 of 1,610,988 alleles (0.00037%); highest among the groups gnomAD compares: Non-Finnish European, 0.00051%; no homozygotes.

Submissions (2):

Ambry Genetics
Classification: Uncertain significance for Hereditary cancer-predisposing syndrome. Last evaluated: 2022-05-30. Review status: criteria provided, single submitter. Criteria: Ambry Variant Classification Scheme 2023. Collection method: clinical testing. Allele origin: germline.
Comment: The p.V1085L variant (also known as c.3253G>T), located in coding exon 26 of the POLD1 gene, results from a G to T substitution at nucleotide position 3253. The valine at codon 1085 is replaced by leucine, an amino acid with highly similar properties. This amino acid position is conserved. In addition, this alteration is predicted to be tolerated by in silico analysis. Since supporting evidence is limited at this time, the clinical significance of this alteration remains unclear.

Labcorp Genetics (formerly Invitae), Labcorp
Classification: Uncertain significance for POLD1-related polyposis and colorectal cancer syndrome. Last evaluated: 2022-05-20. Review status: criteria provided, single submitter. Criteria: Invitae Variant Classification Sherloc (09022015). Collection method: clinical testing. Allele origin: germline.
Comment: In summary, the available evidence is currently insufficient to determine the role of this variant in disease. Therefore, it has been classified as a Variant of Uncertain Significance. Algorithms developed to predict the effect of missense changes on protein structure and function are either unavailable or do not agree on the potential impact of this missense change (SIFT: "Deleterious"; PolyPhen-2: "Possibly Damaging"; Align-GVGD: "Class C0"). ClinVar contains an entry for this variant (Variation ID: 941659). This variant has not been reported in the literature in individuals affected with POLD1-related conditions. This variant is not present in population databases (gnomAD no frequency). This sequence change replaces valine, which is neutral and non-polar, with leucine, which is neutral and non-polar, at codon 1085 of the POLD1 protein (p.Val1085Leu).